The following is an entry in ClinVar:

ClinVar aggregate classification (germline): Uncertain significance (1 of 4 stars; one submission).

Allele frequency attached by ClinVar (database versions not stated): ExAC 0.00001; gnomAD exomes 0.00001.
gnomAD v4.1: 4 of 1,610,510 alleles (0.00025%); highest among the groups gnomAD compares: Admixed American, 0.0017%; no homozygotes.

Submission:

Labcorp Genetics (formerly Invitae), Labcorp
Classification: Uncertain significance. Last evaluated: 2022-12-20. Review status: criteria provided, single submitter. Criteria: Invitae Variant Classification Sherloc (09022015). Collection method: clinical testing. Allele origin: germline.
Comment: In summary, the available evidence is currently insufficient to determine the role of this variant in disease. Therefore, it has been classified as a Variant of Uncertain Significance. Algorithms developed to predict the effect of missense changes on protein structure and function (SIFT, PolyPhen-2, Align-GVGD) all suggest that this variant is likely to be tolerated. This variant has not been reported in the literature in individuals affected with SLCO5A1-related conditions. This variant is present in population databases (rs764268705, gnomAD 0.002%). This sequence change replaces alanine, which is neutral and non-polar, with proline, which is neutral and non-polar, at codon 19 of the SLCO5A1 protein (p.Ala19Pro).

NM_030958.3(SLCO5A1):c.55G>C (p.Ala19Pro)

Gene: SLCO5A1 (solute carrier organic anion transporter family member 5A1; minus strand). Cytogenetic location: 8q13.3.
Variant type: single nucleotide variant.
Coding change: c.55G>C on transcript NM_030958.3 (MANE Select); coding-DNA position 55, G replaced by C.
Protein change: p.Ala19Pro; replaces alanine 19 with proline.
Molecular consequence: missense variant.
Genome position (GRCh38, 1-based): chr8:69,832,619, C>G on the plus strand (G>C on the coding strand, the complement: SLCO5A1 is on the minus strand). VCF-style: chr8-69832619-C-G. GRCh37 (hg19) VCF-style: chr8-70744854-C-G.
Other names: c.55G>C, p.Ala19Pro (NM_001146008.2, NM_001146009.1); short protein forms A19P.
Identifiers: ClinVar variation 2721678 (VCV002721678.3), dbSNP rs764268705, ClinGen allele CA4776898.
Genomic context (GRCh38, chr8:69,832,619, plus strand): 5'-GTAAACTCTTAGACCTGAGGGTCTCCGGCTCGCACCTCTCTTGGACAGCTTCTGCAGTGG[C>G]CGGCGCCTCCAGCTGCTCTCCCGCCCCGGGCTGCAGTCCAGTGCCTTCGTCCATGGCGCT-3'
Protein context (NP_112220.2, residues 9-29): PGAGEQLEAP[Ala19Pro]TAEAVQERCE